The following is an entry in ClinVar:

ClinVar aggregate classification (germline): Uncertain significance (1 of 4 stars; one submission).

Conditions:
Charcot-Marie-Tooth disease type 2. Also called: Charcot-Marie-Tooth type 2. Identifiers: Orphanet 64746, MedGen C0270914, MONDO:0018993.

Submission:

Labcorp Genetics (formerly Invitae), Labcorp
Classification: Uncertain significance for Charcot-Marie-Tooth disease type 2. Last evaluated: 2022-03-26. Review status: criteria provided, single submitter. Criteria: Invitae Variant Classification Sherloc (09022015). Collection method: clinical testing. Allele origin: germline.
Comment: This sequence change replaces glutamic acid, which is acidic and polar, with valine, which is neutral and non-polar, at codon 720 of the GARS protein (p.Glu720Val). This variant is not present in population databases (gnomAD no frequency). This variant has not been reported in the literature in individuals affected with GARS-related conditions. Algorithms developed to predict the effect of missense changes on protein structure and function are either unavailable or do not agree on the potential impact of this missense change (SIFT: "Deleterious"; PolyPhen-2: "Benign"; Align-GVGD: "Class C15"). In summary, the available evidence is currently insufficient to determine the role of this variant in disease. Therefore, it has been classified as a Variant of Uncertain Significance.

NM_002047.4(GARS1):c.2159A>T (p.Glu720Val)

Gene: GARS1 (glycyl-tRNA synthetase 1; plus strand). Cytogenetic location: 7p14.3.
Variant type: single nucleotide variant.
Coding change: c.2159A>T on transcript NM_002047.4 (MANE Select); coding-DNA position 2159, A replaced by T.
Protein change: p.Glu720Val; replaces glutamic acid 720 with valine.
Molecular consequence: missense variant.
Genome position (GRCh38, 1-based): chr7:30,633,799, A>T. VCF-style: chr7-30633799-A-T. GRCh37 (hg19) VCF-style: chr7-30673415-A-T.
Other names: c.1997A>T, p.Glu666Val (NM_001316772.1); short protein forms E666V, E720V.
Identifiers: ClinVar variation 2069797 (VCV002069797.4), dbSNP rs530891983, ClinGen allele CA367132061.